The following is an entry in ClinVar:

ClinVar aggregate classification (germline): Uncertain significance (1 of 4 stars; one submission).

Submission:

Labcorp Genetics (formerly Invitae), Labcorp
Classification: Uncertain significance. Last evaluated: 2024-07-08. Review status: criteria provided, single submitter. Criteria: Invitae Variant Classification Sherloc (09022015). Collection method: clinical testing. Allele origin: germline.
Comment: This sequence change replaces tyrosine, which is neutral and polar, with histidine, which is basic and polar, at codon 299 of the IKZF1 protein (p.Tyr299His). This variant is not present in population databases (gnomAD no frequency). This variant has not been reported in the literature in individuals affected with IKZF1-related conditions. An algorithm developed to predict the effect of missense changes on protein structure and function (PolyPhen-2) suggests that this variant is likely to be disruptive. In summary, the available evidence is currently insufficient to determine the role of this variant in disease. Therefore, it has been classified as a Variant of Uncertain Significance.

NM_006060.6(IKZF1):c.895T>C (p.Tyr299His)

Gene: IKZF1 (IKAROS family zinc finger 1; plus strand). Cytogenetic location: 7p12.2.
Variant type: single nucleotide variant.
Coding change: c.895T>C on transcript NM_006060.6 (MANE Select); coding-DNA position 895, T replaced by C.
Protein change: p.Tyr299His; replaces tyrosine 299 with histidine.
Molecular consequence: missense variant.
Genome position (GRCh38, 1-based): chr7:50,399,962, T>C. VCF-style: chr7-50399962-T-C. GRCh37 (hg19) VCF-style: chr7-50467660-T-C.
Other names: c.634T>C, p.Tyr212His (NM_001220768.2, NM_001291838.2); c.478T>C, p.Tyr160His (NM_001220770.2); c.466T>C, p.Tyr156His (NM_001220771.2, NM_001291841.1); c.769T>C, p.Tyr257His (NM_001291837.2, NM_001220765.3); c.508T>C, p.Tyr170His (NM_001291839.2); c.205T>C, p.Tyr69His (NM_001291840.1); c.436T>C, p.Tyr146His (NM_001291842.1); c.604T>C, p.Tyr202His (NM_001220767.2); and 3 more; short protein forms Y202H, Y146H, Y257H, Y69H, Y114H, Y156H, Y160H, Y299H.
Identifiers: ClinVar variation 3677329 (VCV003677329.2).